The following is an entry in ClinVar:

NM_005413.4(SIX3):c.351G>A (p.Val117=)

Gene: SIX3 (SIX homeobox 3; plus strand). Cytogenetic location: 2p21.
Variant type: single nucleotide variant.
Coding change: c.351G>A on transcript NM_005413.4 (MANE Select); coding-DNA position 351, G replaced by A.
Protein change: p.Val117=; no amino-acid change (valine 117 retained).
Molecular consequence: synonymous variant.
Genome position (GRCh38, 1-based): chr2:44,942,455, G>A. VCF-style: chr2-44942455-G-A. GRCh37 (hg19) VCF-style: chr2-45169594-G-A.
Identifiers: ClinVar variation 682177 (VCV000682177.10), dbSNP rs199742584, ClinGen allele CA1642310.
Genomic context (GRCh38, chr2:44,942,455, plus strand): 5'-GACGCTGGAGGAGACGGGCGACATCGAGCGGCTGGGCCGCTTCCTCTGGTCGCTGCCCGT[G>A]GCCCCCGGGGCGTGCGAGGCCATCAACAAACACGAGTCGATCCTGCGCGCGCGCGCCGTG-3'
Protein context (NP_005404.1, residues 107-127): RLGRFLWSLP[Val117=]APGACEAINK

ClinVar aggregate classification (germline): Benign/Likely benign. Review status: criteria provided, multiple submitters, no conflicts (2 of 4 stars). 4 submissions from 4 submitters: Benign (1); Likely benign (2). 1 of the submissions does not count toward it. Last evaluated 2025-12-31.

Conditions:
SIX3-related disorder. Also called: SIX3-related condition; SIX3-Related Disorders.
Holoprosencephaly 2 (HPE2). Identifiers: Orphanet 2162, MedGen C1834877, MONDO:0007999, OMIM 157170.

Allele frequency attached by ClinVar (database versions not stated): TOPMed 0.00006; gnomAD 0.00007 and 0.00009.

Submissions (4):

Labcorp Genetics (formerly Invitae), Labcorp
Classification: Benign for Holoprosencephaly 2. Last evaluated: 2025-12-31. Review status: criteria provided, single submitter. Criteria: Invitae Variant Classification Sherloc (09022015). Collection method: clinical testing. Allele origin: germline.

GeneDx
Classification: Likely benign. Last evaluated: 2018-04-19. Review status: criteria provided, single submitter. Criteria: GeneDx Variant Classification (06012015). Collection method: clinical testing. Allele origin: germline. Affected: yes.
Comment: This variant is considered likely benign or benign based on one or more of the following criteria: it is a conservative change, it occurs at a poorly conserved position in the protein, it is predicted to be benign by multiple in silico algorithms, and/or has population frequency not consistent with disease.

Breakthrough Genomics
Classification: Likely benign. Review status: criteria provided, single submitter. Criteria: ACMG Guidelines, 2015. Collection method: not provided. Allele origin: germline. Inheritance: Autosomal dominant inheritance. Affected: yes.

PreventionGenetics, part of Exact Sciences
Classification: Likely benign for SIX3-related condition. Last evaluated: 2020-09-14. Review status: no assertion criteria provided. Collection method: clinical testing. Allele origin: germline. Not counted in ClinVar's aggregate classification.
Comment: This variant is classified as likely benign based on ACMG/AMP sequence variant interpretation guidelines (Richards et al. 2015 PMID: 25741868, with internal and published modifications).